The following is an entry in ClinVar:

ClinVar aggregate classification (germline): Uncertain significance. Review status: criteria provided, multiple submitters, no conflicts (2 of 4 stars). 3 submissions from 3 submitters: Uncertain significance (3). Last evaluated 2024-11-25.

Conditions:
Familial sleep-related hypermotor epilepsy. Also called: Autosomal Dominant Sleep-Related Hypermotor (Hyperkinetic) Epilepsy. Identifiers: Orphanet 98784, MedGen C3696898, MONDO:0000030.

Allele frequency attached by ClinVar (database versions not stated): TOPMed 0.00001.
gnomAD v4.1: 1 of 1,614,112 alleles (0.000062%); highest among the groups gnomAD compares: East Asian, 0.0022%; no homozygotes.

Submissions (3):

Blueprint Genetics
Classification: Uncertain significance. Last evaluated: 2024-11-25. Review status: criteria provided, single submitter. Criteria: ACMG Guidelines, 2015. Collection method: clinical testing. Allele origin: germline.

Labcorp Genetics (formerly Invitae), Labcorp
Classification: Uncertain significance. Last evaluated: 2024-03-09. Review status: criteria provided, single submitter. Criteria: Invitae Variant Classification Sherloc (09022015). Collection method: clinical testing. Allele origin: germline.
Comment: This sequence change replaces arginine, which is basic and polar, with leucine, which is neutral and non-polar, at codon 72 of the CHRNA2 protein (p.Arg72Leu). This variant is present in population databases (rs201922955, gnomAD 0.02%). This variant has not been reported in the literature in individuals affected with CHRNA2-related conditions. ClinVar contains an entry for this variant (Variation ID: 421987). Advanced modeling of protein sequence and biophysical properties (such as structural, functional, and spatial information, amino acid conservation, physicochemical variation, residue mobility, and thermodynamic stability) has been performed at Invitae for this missense variant, however the output from this modeling did not meet the statistical confidence thresholds required to predict the impact of this variant on CHRNA2 protein function. In summary, the available evidence is currently insufficient to determine the role of this variant in disease. Therefore, it has been classified as a Variant of Uncertain Significance.

GeneDx
Classification: Uncertain significance. Last evaluated: 2016-08-16. Review status: criteria provided, single submitter. Criteria: GeneDx Variant Classification (06012015). Collection method: clinical testing. Allele origin: germline. Affected: yes.
Comment: A variant of uncertain significance has been identified in the CHRNA2 gene. The R72L variant hasnot been published as a pathogenic variant, nor has it been reported as a benign variant to ourknowledge. It was not observed in approximately 6,500 individuals of European and African Americanancestry in the NHLBI Exome Sequencing Project, indicating it is not a common benign variant inthese populations. The R72L variant is a non-conservative amino acid substitution, which is likely toimpact secondary protein structure as these residues differ in polarity, charge, size and/or otherproperties. This substitution occurs at a position conserved through mammals and in silico analysispredicts this variant is probably damaging to the protein structure/function. However, missensevariants in nearby residues have not been reported in the Human Gene Mutation Database inassociation with CHRNA2-related disorders (Stenson et al., 2014). Therefore, based on the currentlyavailable information, it is unclear whether this variant is a pathogenic variant or a rare benignvariant.

NM_000742.4(CHRNA2):c.215G>T (p.Arg72Leu)

Gene: CHRNA2 (cholinergic receptor nicotinic alpha 2 subunit; minus strand). Cytogenetic location: 8p21.2.
Variant type: single nucleotide variant.
Coding change: c.215G>T on transcript NM_000742.4 (MANE Select); coding-DNA position 215, G replaced by T.
Protein change: p.Arg72Leu; replaces arginine 72 with leucine.
Molecular consequence: missense variant. On other transcripts: 5 prime UTR variant (4).
Genome position (GRCh38, 1-based): chr8:27,469,840, C>A on the plus strand (G>T on the coding strand, the complement: CHRNA2 is on the minus strand). VCF-style: chr8-27469840-C-A. GRCh37 (hg19) VCF-style: chr8-27327357-C-A.
Other names: c.215G>T, p.Arg72Leu (NM_001282455.2); c.-213G>T (NM_001347705.2); c.-258G>T (NM_001347706.2); c.-199G>T (NM_001347707.2); c.-247G>T (NM_001347708.2); short protein forms R72L.
Identifiers: ClinVar variation 421987 (VCV000421987.5), dbSNP rs201922955, ClinGen allele CA4689762.
Genomic context (GRCh38, chr8:27,469,840, plus strand): 5'-ATGGACAGTCCAAAGCGCACAATCACCACGTCTGAAGTGTTGGGCACCGGGCGCGCCCAG[C>A]GGTTGTAGCCCCGGAAGAGGTGTTTGAAGAGCCGGTCCTCAGTCTCGGTATGCGAGCCTC-3'
Protein context (NP_000733.2, residues 62-82): LFKHLFRGYN[Arg72Leu]WARPVPNTSD